The following is an entry in ClinVar:

NM_002203.4(ITGA2):c.1448G>A (p.Arg483Gln)

Gene: ITGA2 (integrin subunit alpha 2; plus strand). Cytogenetic location: 5q11.2.
Variant type: single nucleotide variant.
Coding change: c.1448G>A on transcript NM_002203.4 (MANE Select); coding-DNA position 1448, G replaced by A.
Protein change: p.Arg483Gln; replaces arginine 483 with glutamine.
Molecular consequence: missense variant. On other transcripts: non-coding transcript variant (5).
Genome position (GRCh38, 1-based): chr5:53,061,036, G>A. VCF-style: chr5-53061036-G-A. GRCh37 (hg19) VCF-style: chr5-52356866-G-A.
Other names: short protein forms R483Q.
Identifiers: ClinVar variation 3861494 (VCV003861494.2).

ClinVar aggregate classification (germline): Uncertain significance. Review status: criteria provided, multiple submitters, no conflicts (2 of 4 stars). 2 submissions from 2 submitters: Uncertain significance (2). Last evaluated 2025-02-18.

Conditions:
ITGA2-related disorder. Also called: ITGA2-related condition.
Inborn genetic diseases. Identifiers: MedGen C0950123, MeSH D030342.

gnomAD v4.1: 57 of 1,612,076 alleles (0.0035%); highest among the groups gnomAD compares: Admixed American, 0.022%; no homozygotes.

Submissions (2):

PreventionGenetics, part of Exact Sciences
Classification: Uncertain significance for ITGA2-related condition. Last evaluated: 2025-02-18. Review status: criteria provided, single submitter. Criteria: ACMG Guidelines, 2015. Collection method: clinical testing. Allele origin: germline.
Comment: The ITGA2 c.1448G>A variant is predicted to result in the amino acid substitution p.Arg483Gln. To our knowledge, this variant has not been reported in the literature. This variant is reported in 0.014% of alleles in individuals of Latino descent in gnomAD. At this time, the clinical significance of this variant is uncertain due to the absence of conclusive functional and genetic evidence.

Ambry Genetics
Classification: Uncertain significance for Inborn genetic diseases. Last evaluated: 2025-01-30. Review status: criteria provided, single submitter. Criteria: Ambry Variant Classification Scheme 2023. Collection method: clinical testing. Allele origin: germline.